The following is an entry in ClinVar:

NM_177438.3(DICER1):c.734+3A>G

Gene: DICER1 (dicer 1, ribonuclease III; minus strand). Cytogenetic location: 14q32.13.
Variant type: single nucleotide variant.
Coding change: c.734+3A>G on transcript NM_177438.3 (MANE Select); 3 bases into the intron after coding-DNA position 734, A replaced by G.
Molecular consequence: intron variant.
Genome position (GRCh38, 1-based): chr14:95,129,469, T>C on the plus strand (A>G on the coding strand, the complement: DICER1 is on the minus strand). VCF-style: chr14-95129469-T-C. GRCh37 (hg19) VCF-style: chr14-95595806-T-C.
Other names: c.734+3A>G (NM_001291628.2, NM_030621.4, NM_001395677.1 and 15 more transcripts); c.329+3A>G (NM_001395690.1, NM_001395687.1, NM_001395689.1 and 3 more transcripts); c.452+3A>G (NM_001395686.1); c.167+3A>G (NM_001395691.1); c.-835+3A>G (NM_001395697.1).
Identifiers: ClinVar variation 2813052 (VCV002813052.8), dbSNP rs377208116, ClinGen allele CA265926073.
Genomic context (GRCh38, chr14:95,129,469, plus strand): 5'-ACCAAAGACTTAATATTGTTTTCAACTAATCTCATTAAAGCTGAGTCAATCAGAAGTGCA[T>C]ACCTGTCTAAGACCACCAGGTCAGTTGCAGTTTCAGCATTACTCTTAAGAATTTTCTCTA-3'

ClinVar aggregate classification (germline): Conflicting classifications of pathogenicity. Review status: criteria provided, conflicting classifications (1 of 4 stars). 5 submissions from 5 submitters: Likely pathogenic (1); Uncertain significance (4). Last evaluated 2025-12-01.

Conditions:
Hereditary cancer-predisposing syndrome. Also called: Hereditary Cancer Syndrome; Tumor predisposition; Hereditary neoplastic syndrome; Neoplastic Syndromes, Hereditary. Identifiers: Orphanet 140162, MedGen C0027672, MeSH D009386, MONDO:0015356.
DICER1-related tumor predisposition. Also called: DICER1 syndrome; DICER1-related pleuropulmonary blastoma cancer predisposition syndrome. Identifiers: Orphanet 284343, MedGen C3839822, MONDO:0100216.
Global developmental delay - lung cysts - overgrowth - Wilms tumor syndrome. Also called: GLOW Syndrome; GLOBAL DEVELOPMENTAL DELAY, LUNG CYSTS, OVERGROWTH, AND WILMS TUMOR. Identifiers: Orphanet 404476, MedGen C4748924, MONDO:0018445, OMIM 618272.

Allele frequency attached by ClinVar (database versions not stated): TOPMed below 0.00001; ESP Exome Variant Server 0.00008.

Submissions (5):

Unidad de Genómica Garrahan, Hospital de Pediatría Garrahan
Classification: Uncertain significance for DICER1-related tumor predisposition. Last evaluated: 2025-12-01. Review status: criteria provided, single submitter. Criteria: Hatton et al. (Hum Mutat. 2023). Collection method: clinical testing. Allele origin: germline. Affected: yes.
Comment: In this patient we evidenced a damaging effect through a well-established in vitro functional study. Patient-derived RNA assay demonstrated splicing impact by the complete skipping of exon 6 that is out-of-frame (PS3_strong). Also, this intronic variant is not reported in population-based cohorts in the Genome Aggregation Database (gnomAD) (PM2_Supporting). Based on the available evidence and following the ClinGen DICER1 and miRNA-Processing Gene Expert Panel Specifications to the ACMG/AMP Variant Interpretation Guidelines for DICER1 (PMID: 38084291) this alteration is classified as variant of uncertain significance.

Labcorp Genetics (formerly Invitae), Labcorp
Classification: Uncertain significance for DICER1-related tumor predisposition. Last evaluated: 2025-07-31. Review status: criteria provided, single submitter. Criteria: Invitae Variant Classification Sherloc (09022015). Collection method: clinical testing. Allele origin: germline.
Comment: This sequence change falls in intron 6 of the DICER1 gene. It does not directly change the encoded amino acid sequence of the DICER1 protein. It affects a nucleotide within the consensus splice site. This variant is not present in population databases (gnomAD no frequency). This variant has not been reported in the literature in individuals affected with DICER1-related conditions. ClinVar contains an entry for this variant (Variation ID: 2813052). Variants that disrupt the consensus splice site are a relatively common cause of aberrant splicing (PMID: 17576681, 9536098). Algorithms developed to predict the effect of sequence changes on RNA splicing suggest that this variant may disrupt the consensus splice site. In summary, the available evidence is currently insufficient to determine the role of this variant in disease. Therefore, it has been classified as a Variant of Uncertain Significance.

Ambry Genetics
Classification: Likely pathogenic for Hereditary cancer-predisposing syndrome. Last evaluated: 2025-05-27. Review status: criteria provided, single submitter. Criteria: Ambry Variant Classification Scheme 2023. Collection method: clinical testing. Allele origin: germline.
Comment: The c.734+3A>G intronic variant results from an A to G substitution 3 nucleotides after coding exon 5 in the DICER1 gene. This nucleotide position is well conserved in available vertebrate species. In silico splice site analysis predicts that this alteration may weaken the native splice donor site. RNA studies have demonstrated that this alteration results in abnormal splicing in the set of samples tested (Ambry internal data). Based on the majority of available evidence to date, this variant is likely to be pathogenic.

Baylor Genetics
Classification: Uncertain significance for Global developmental delay - lung cysts - overgrowth - Wilms tumor syndrome. Last evaluated: 2023-12-31. Review status: criteria provided, single submitter. Criteria: ACMG Guidelines, 2015. Collection method: clinical testing. Allele origin: unknown.

Blueprint Genetics
Classification: Uncertain significance. Last evaluated: 2021-07-22. Review status: criteria provided, single submitter. Criteria: ACMG Guidelines, 2015. Collection method: clinical testing. Allele origin: germline.

Literature cited by the submitters: PubMed 17576681 (cited by Labcorp Genetics (formerly Invitae), Labcorp); PubMed 9536098 (cited by Labcorp Genetics (formerly Invitae), Labcorp).